The following is an entry in ClinVar:

NM_018946.4(NANS):c.602C>T (p.Ser201Leu)

Genes: NANS (N-acetylneuraminate synthase; plus strand), TRIM14 (tripartite motif containing 14; minus strand). Cytogenetic location: 9q22.33.
Variant type: single nucleotide variant.
Coding change: c.602C>T on transcript NM_018946.4 (MANE Select); coding-DNA position 602, C replaced by T.
Protein change: p.Ser201Leu; replaces serine 201 with leucine.
Molecular consequence: missense variant.
Genome position (GRCh38, 1-based): chr9:98,078,346, C>T. VCF-style: chr9-98078346-C-T. GRCh37 (hg19) VCF-style: chr9-100840628-C-T.
Other names: c.602C>T (NM_018946.3); short protein forms S201L.
Identifiers: ClinVar variation 1356011 (VCV001356011.6), dbSNP rs962328836, ClinGen allele CA196767923.

ClinVar aggregate classification (germline): Uncertain significance. Review status: criteria provided, multiple submitters, no conflicts (2 of 4 stars). 3 submissions from 3 submitters: Uncertain significance (3). Last evaluated 2025-12-15.

Conditions:
Inborn genetic diseases. Identifiers: MedGen C0950123, MeSH D030342.

Allele frequency attached by ClinVar (database versions not stated): gnomAD 0.00001; gnomAD exomes 0.00001; TOPMed 0.00005.
gnomAD v4.1: 14 of 1,613,632 alleles (0.00087%); highest among the groups gnomAD compares: Admixed American, 0.0083%; no homozygotes.

Submissions (3):

Labcorp Genetics (formerly Invitae), Labcorp
Classification: Uncertain significance. Last evaluated: 2025-12-15. Review status: criteria provided, single submitter. Criteria: Invitae Variant Classification Sherloc (09022015). Collection method: clinical testing. Allele origin: germline.
Comment: This sequence change replaces serine, which is neutral and polar, with leucine, which is neutral and non-polar, at codon 201 of the NANS protein (p.Ser201Leu). This variant is present in population databases (no rsID available, gnomAD 0.006%). This variant has not been reported in the literature in individuals affected with NANS-related conditions. ClinVar contains an entry for this variant (Variation ID: 1356011). An algorithm developed to predict the effect of missense changes on protein structure and function outputs the following: PolyPhen-2: "Benign". The leucine amino acid residue is found in multiple mammalian species, which suggests that this missense change does not adversely affect protein function. In summary, the available evidence is currently insufficient to determine the role of this variant in disease. Therefore, it has been classified as a Variant of Uncertain Significance.

Blueprint Genetics
Classification: Uncertain significance. Last evaluated: 2024-03-13. Review status: criteria provided, single submitter. Criteria: ACMG Guidelines, 2015. Collection method: clinical testing. Allele origin: germline.

Ambry Genetics
Classification: Uncertain significance for Inborn genetic diseases. Last evaluated: 2021-06-11. Review status: criteria provided, single submitter. Criteria: Ambry Variant Classification Scheme 2023. Collection method: clinical testing. Allele origin: germline.